The following is an entry in ClinVar:

ClinVar aggregate classification (germline): Uncertain significance (1 of 4 stars; one submission).

Conditions:
Atrial fibrillation, familial, 7 (ATFB7). Identifiers: MedGen C2677106, MONDO:0012828, OMIM 612240.

Allele frequency attached by ClinVar (database versions not stated): TOPMed below 0.00001; ExAC 0.00001; gnomAD exomes 0.00002.
gnomAD v4.1: 9 of 1,612,778 alleles (0.00056%); highest among the groups gnomAD compares: Admixed American, 0.005%; no homozygotes.

Submission:

Labcorp Genetics (formerly Invitae), Labcorp
Classification: Uncertain significance for Atrial fibrillation, familial, 7. Last evaluated: 2022-07-25. Review status: criteria provided, single submitter. Criteria: Invitae Variant Classification Sherloc (09022015). Collection method: clinical testing. Allele origin: germline.
Comment: In summary, the available evidence is currently insufficient to determine the role of this variant in disease. Therefore, it has been classified as a Variant of Uncertain Significance. Algorithms developed to predict the effect of missense changes on protein structure and function are either unavailable or do not agree on the potential impact of this missense change (SIFT: "Tolerated"; PolyPhen-2: "Probably Damaging"; Align-GVGD: "Class C0"). ClinVar contains an entry for this variant (Variation ID: 469599). This variant has not been reported in the literature in individuals affected with KCNA5-related conditions. This variant is present in population databases (no rsID available, gnomAD 0.009%). This sequence change replaces arginine, which is basic and polar, with histidine, which is basic and polar, at codon 283 of the KCNA5 protein (p.Arg283His).

NM_002234.4(KCNA5):c.848G>A (p.Arg283His)

Gene: KCNA5 (potassium voltage-gated channel subfamily A member 5; plus strand). Cytogenetic location: 12p13.32.
Variant type: single nucleotide variant.
Coding change: c.848G>A on transcript NM_002234.4 (MANE Select); coding-DNA position 848, G replaced by A.
Protein change: p.Arg283His; replaces arginine 283 with histidine.
Molecular consequence: missense variant.
Genome position (GRCh38, 1-based): chr12:5,044,995, G>A. VCF-style: chr12-5044995-G-A. GRCh37 (hg19) VCF-style: chr12-5154161-G-A.
Other names: short protein forms R283H.
Identifiers: ClinVar variation 469599 (VCV000469599.8), dbSNP rs1020769441, ClinGen allele CA6399731.